The following is an entry in ClinVar:

ClinVar aggregate classification (germline): Conflicting classifications of pathogenicity. Review status: criteria provided, conflicting classifications (1 of 4 stars). 4 submissions from 4 submitters: Uncertain significance (3); Benign (1). Last evaluated 2025-07-27.

Conditions:
Tuberous sclerosis syndrome (TSC). Also called: Tuberous Sclerosis Complex; Tuberous sclerosis. Identifiers: Orphanet 805, MedGen C0041341, MONDO:0001734.
Hereditary cancer-predisposing syndrome. Also called: Neoplastic Syndromes, Hereditary; Tumor predisposition; Hereditary Cancer Syndrome; Hereditary neoplastic syndrome. Identifiers: Orphanet 140162, MedGen C0027672, MeSH D009386, MONDO:0015356.
Tuberous sclerosis 2 (TSC2). Identifiers: Orphanet 805, MedGen C1860707, MONDO:0013199, OMIM 613254.

Allele frequency attached by ClinVar (database versions not stated): gnomAD exomes below 0.00001 and 0.00001.
gnomAD v4.1: 5 of 1,612,260 alleles (0.00031%); highest among the groups gnomAD compares: Non-Finnish European, 0.00034%; no homozygotes.

Submissions (4):

Labcorp Genetics (formerly Invitae), Labcorp
Classification: Benign for Tuberous sclerosis 2. Last evaluated: 2025-07-27. Review status: criteria provided, single submitter. Criteria: Invitae Variant Classification Sherloc (09022015). Collection method: clinical testing. Allele origin: germline.

Ambry Genetics
Classification: Uncertain significance for Hereditary cancer-predisposing syndrome. Last evaluated: 2025-04-22. Review status: criteria provided, single submitter. Criteria: Ambry Variant Classification Scheme 2023. Collection method: clinical testing. Allele origin: germline.
Comment: The p.N1270S variant (also known as c.3809A>G), located in coding exon 30 of the TSC2 gene, results from an A to G substitution at nucleotide position 3809. The asparagine at codon 1270 is replaced by serine, an amino acid with highly similar properties. This variant has been detected in multiple individuals with no reported features of TSC2-associated disease (Ambry internal data). This amino acid position is highly conserved in available vertebrate species. In addition, the in silico prediction for this alteration is inconclusive. Based on the available evidence, the clinical significance of this alteration remains unclear.

All of Us Research Program, National Institutes of Health
Classification: Uncertain significance for Tuberous sclerosis syndrome. Last evaluated: 2023-12-18. Review status: criteria provided, single submitter. Criteria: ACMG Guidelines, 2015. Collection method: clinical testing. Allele origin: germline. Inheritance: Autosomal dominant inheritance. Observed: 1 variant allele, 1 heterozygote.
Comment: This missense variant replaces asparagine with serine at codon 1270 of the TSC2 protein. Computational prediction suggests that this variant may not impact protein structure and function (internally defined REVEL score threshold <= 0.5, PMID: 27666373). To our knowledge, functional studies have not been reported for this variant. This variant has not been reported in individuals affected with TSC2-related disorders in the literature. This variant has been identified in 2/249612 chromosomes in the general population by the Genome Aggregation Database (gnomAD). The available evidence is insufficient to determine the role of this variant in disease conclusively. Therefore, this variant is classified as a Variant of Uncertain Significance.

This study involves interpretation of variants in research participants for the purpose of population health screening. Participant phenotype was not available at the time of variant classification. Additional details can be found in publication PMID: 35346344, PMCID: PMC8962531

Color Diagnostics, LLC DBA Color Health
Classification: Uncertain significance for Tuberous sclerosis syndrome. Last evaluated: 2023-11-29. Review status: criteria provided, single submitter. Criteria: ACMG Guidelines, 2015. Collection method: clinical testing. Allele origin: germline.
Comment: This missense variant replaces asparagine with serine at codon 1270 of the TSC2 protein. Computational prediction suggests that this variant may not impact protein structure and function. To our knowledge, functional studies have not been reported for this variant. This variant has not been reported in individuals affected with TSC2-related disorders in the literature. This variant has been identified in 2/249612 chromosomes in the general population by the Genome Aggregation Database (gnomAD). The available evidence is insufficient to determine the role of this variant in disease conclusively. Therefore, this variant is classified as a Variant of Uncertain Significance.

NM_000548.5(TSC2):c.3809A>G (p.Asn1270Ser)

Gene: TSC2 (TSC complex subunit 2; plus strand). Cytogenetic location: 16p13.3.
Variant type: single nucleotide variant.
Coding change: c.3809A>G on transcript NM_000548.5 (MANE Select); coding-DNA position 3809, A replaced by G.
Protein change: p.Asn1270Ser; replaces asparagine 1270 with serine.
Molecular consequence: missense variant.
Genome position (GRCh38, 1-based): chr16:2,081,793, A>G. VCF-style: chr16-2081793-A-G. GRCh37 (hg19) VCF-style: chr16-2131794-A-G.
Other names: c.3677A>G, p.Asn1226Ser (NM_001077183.3, NM_001370404.1); c.3809A>G, p.Asn1270Ser (NM_001114382.3); c.3569A>G, p.Asn1190Ser (NM_001318827.2); c.3533A>G, p.Asn1178Ser (NM_001318829.2); c.3077A>G, p.Asn1026Ser (NM_001318831.2); c.3710A>G, p.Asn1237Ser (NM_001318832.2); c.3680A>G, p.Asn1227Ser (NM_001363528.2, NM_001370405.1, NM_021055.3); short protein forms N1270S, N1026S, N1226S, N1227S, N1237S, N1178S, N1190S.
Identifiers: ClinVar variation 535915 (VCV000535915.16), dbSNP rs1304251276, ClinGen allele CA394293642.
Genomic context (GRCh38, chr16:2,081,793, plus strand): 5'-ACAAGTCACTGTCGGTGCCGGCAGCCAGCACGGCCAAACCCCCTCCTCTGCCTCGCTCCA[A>G]CACAGGTGAGTGGCATGGCGGGCCTTGGCACGGGCTCTGCTCCCACTGGCCTGGTGCTCC-3'
Protein context (NP_000539.2, residues 1260-1280): TAKPPPLPRS[Asn1270Ser]TVASFSSLYQ